The following is an entry in ClinVar:

ClinVar aggregate classification (germline): Pathogenic. Review status: criteria provided, multiple submitters, no conflicts (2 of 4 stars). 3 submissions from 3 submitters: Pathogenic (3). Last evaluated 2023-08-28.

Conditions:
Hereditary cancer-predisposing syndrome. Also called: Neoplastic Syndromes, Hereditary; Tumor predisposition; Hereditary neoplastic syndrome; Hereditary Cancer Syndrome. Identifiers: Orphanet 140162, MedGen C0027672, MeSH D009386, MONDO:0015356.
Lynch syndrome 5 (LYNCH5). Also called: Colorectal cancer, hereditary nonpolyposis, type 5; Hereditary non-polyposis colorectal cancer, type 5. Identifiers: Orphanet 144, MedGen C1833477, MONDO:0013710, OMIM 614350. Disease mechanism: loss of function.

Submissions (3):

Myriad Genetics, Inc.
Classification: Pathogenic for Lynch syndrome 5. Last evaluated: 2023-08-28. Review status: criteria provided, single submitter. Criteria: Myriad Autosomal Dominant, Autosomal Recessive and X-Linked Classification Criteria (2023). Collection method: clinical testing. Allele origin: unknown.
Comment: This variant is considered pathogenic. This variant creates a frameshift predicted to result in premature protein truncation.

GeneDx
Classification: Pathogenic. Last evaluated: 2021-04-13. Review status: criteria provided, single submitter. Criteria: GeneDx Variant Classification Process June 2021. Collection method: clinical testing. Allele origin: germline. Affected: yes.
Comment: Frameshift variant predicted to result in protein truncation in a gene for which loss-of-function is a known mechanism of disease; Not observed in large population cohorts (Lek et al., 2016); Truncating variants in this gene are considered pathogenic by a well-established clinical consortium and/or database; Has not been previously published as pathogenic or benign to our knowledge

Ambry Genetics
Classification: Pathogenic for Hereditary cancer-predisposing syndrome. Last evaluated: 2018-12-13. Review status: criteria provided, single submitter. Criteria: Ambry Variant Classification Scheme 2023. Collection method: clinical testing. Allele origin: germline.
Comment: The c.3891_3928dup38 variant, located in coding exon 9 of the MSH6 gene, results from a duplication of CTATGGCTTTAATGCAGCAAGGCTTGCTAATCTCCCAG at nucleotide position 3891, causing a translational frameshift with a predicted alternate stop codon (p.E1310Afs*30). This alteration is expected to result in loss of function by premature protein truncation or nonsense-mediated mRNA decay. As such, this alteration is interpreted as a disease-causing mutation.

NM_000179.3(MSH6):c.3891_3928dup (p.Glu1310fs)

Gene: MSH6 (mutS homolog 6; plus strand). Cytogenetic location: 2p16.3.
Variant type: Duplication.
Coding change: c.3891_3928dup on transcript NM_000179.3 (MANE Select); coding-DNA positions 3891 to 3928, 38 bases duplicated.
Protein change: p.Glu1310fs; shifts the reading frame from glutamic acid 1310.
Molecular consequence: frameshift variant.
Genome position (GRCh38, 1-based): chr2:47,806,541-47,806,578, 38 bases duplicated; duplicating any 38 consecutive bases within chr2:47,806,539-47,806,578 gives the same sequence; the c. name uses the placement nearest the transcript's 3' end. GRCh37 (hg19): chr2:48,033,680-48,033,717.
Other names: c.3891_3928dupCTATGGCTTTAATGCAGCAAGGCTTGCTAATCTCCCAG (NM_000179.2); c.3501_3538dup, p.Glu1180fs (NM_001281492.2); c.2985_3022dup, p.Glu1008fs (NM_001281493.2, NM_001281494.2); short protein forms E1180fs, E1008fs, E1310fs.
Identifiers: ClinVar variation 824345 (VCV000824345.8), dbSNP rs1572746998, ClinGen allele CA915943982.